The following is an entry in ClinVar:

NM_001039591.3(USP9X):c.5885A>G (p.Asp1962Gly)

Gene: USP9X (ubiquitin specific peptidase 9 X-linked; plus strand). Cytogenetic location: Xp11.4.
Variant type: single nucleotide variant.
Coding change: c.5885A>G on transcript NM_001039591.3 (MANE Select); coding-DNA position 5885, A replaced by G.
Protein change: p.Asp1962Gly; replaces aspartic acid 1962 with glycine.
Molecular consequence: missense variant.
Genome position (GRCh38, 1-based): chrX:41,216,452, A>G. VCF-style: chrX-41216452-A-G. GRCh37 (hg19) VCF-style: chrX-41075705-A-G.
Other names: c.5885A>G, p.Asp1962Gly (NM_001039590.3); c.5900A>G, p.Asp1967Gly (NM_001410748.1, NM_001410749.1); short protein forms D1962G, D1967G.
Identifiers: ClinVar variation 2183165 (VCV002183165.1), dbSNP rs774119208, ClinGen allele CA10389028.

ClinVar aggregate classification (germline): Uncertain significance (1 of 4 stars; one submission).

Allele frequency attached by ClinVar (database versions not stated): ExAC 0.00001; TOPMed 0.00002; gnomAD 0.00003.
gnomAD v4.1: 3 of 1,209,617 alleles (0.00025%); highest among the groups gnomAD compares: African/African-American, 0.0035%; no homozygotes.

Submission:

Labcorp Genetics (formerly Invitae), Labcorp
Classification: Uncertain significance. Last evaluated: 2022-10-30. Review status: criteria provided, single submitter. Criteria: Invitae Variant Classification Sherloc (09022015). Collection method: clinical testing. Allele origin: germline.
Comment: This sequence change replaces aspartic acid, which is acidic and polar, with glycine, which is neutral and non-polar, at codon 1962 of the USP9X protein (p.Asp1962Gly). This variant is present in population databases (rs774119208, gnomAD 0.01%), including at least one homozygous and/or hemizygous individual. This variant has not been reported in the literature in individuals affected with USP9X-related conditions. Algorithms developed to predict the effect of missense changes on protein structure and function output the following: SIFT: "Tolerated"; PolyPhen-2: "Benign"; Align-GVGD: "Class C0". The glycine amino acid residue is found in multiple mammalian species, which suggests that this missense change does not adversely affect protein function. In summary, the available evidence is currently insufficient to determine the role of this variant in disease. Therefore, it has been classified as a Variant of Uncertain Significance.